The following is an entry in ClinVar:

ClinVar aggregate classification (germline): Likely pathogenic. Review status: criteria provided, multiple submitters, no conflicts (2 of 4 stars). 3 submissions from 3 submitters: Likely pathogenic (3). Last evaluated 2025-05-30.

Conditions:
SLC34A1-related disorder. Also called: SLC34A1-related disorders; SLC34A1-related condition.

Allele frequency attached by ClinVar (database versions not stated): ExAC 0.00001; gnomAD 0.00001; gnomAD exomes 0.00001; TOPMed 0.00001.

Submissions (3):

Labcorp Genetics (formerly Invitae), Labcorp
Classification: Likely pathogenic. Last evaluated: 2025-05-30. Review status: criteria provided, single submitter. Criteria: Invitae Variant Classification Sherloc (09022015). Collection method: clinical testing. Allele origin: germline.
Comment: This sequence change affects an acceptor splice site in intron 9 of the SLC34A1 gene. It is expected to disrupt RNA splicing. Variants that disrupt the donor or acceptor splice site typically lead to a loss of protein function (PMID: 16199547), and loss-of-function variants in SLC34A1 are known to be pathogenic (PMID: 26047794). This variant is not present in population databases (gnomAD no frequency). This variant has not been reported in the literature in individuals affected with SLC34A1-related conditions. ClinVar contains an entry for this variant (Variation ID: 2683652). Algorithms developed to predict the effect of sequence changes on RNA splicing suggest that this variant may disrupt the consensus splice site. In summary, the currently available evidence indicates that the variant is pathogenic, but additional data are needed to prove that conclusively. Therefore, this variant has been classified as Likely Pathogenic.

PreventionGenetics, part of Exact Sciences
Classification: Likely pathogenic for SLC34A1-related condition. Last evaluated: 2025-04-01. Review status: criteria provided, single submitter. Criteria: ACMG Guidelines, 2015. Collection method: clinical testing. Allele origin: germline.
Comment: The SLC34A1 c.1007-1G>A variant is predicted to disrupt the AG splice acceptor site and interfere with normal splicing. To our knowledge, this variant has not been reported in the literature or in a large population database, indicating this variant is rare. Variants that disrupt consensus splice acceptor sites in SLC34A1 are expected to be pathogenic, and therefore this variant is interpreted as likely pathogenic.

Mayo Clinic Laboratories, Mayo Clinic
Classification: Likely pathogenic. Last evaluated: 2023-03-08. Review status: criteria provided, single submitter. Criteria: ACMG Guidelines, 2015. Collection method: clinical testing. Allele origin: germline. Observed: 1 variant allele.
Comment: PM2_supporting, PVS1

Literature cited by the submitters: PubMed 16199547 (cited by Labcorp Genetics (formerly Invitae), Labcorp); PubMed 26047794 (cited by Labcorp Genetics (formerly Invitae), Labcorp).

NM_003052.5(SLC34A1):c.1007-1G>A

Gene: SLC34A1 (solute carrier family 34 member 1; plus strand). Cytogenetic location: 5q35.3.
Variant type: single nucleotide variant.
Coding change: c.1007-1G>A on transcript NM_003052.5 (MANE Select); the canonical splice acceptor site of the intron before coding-DNA position 1007, G replaced by A.
Molecular consequence: splice acceptor variant.
Genome position (GRCh38, 1-based): chr5:177,394,027, G>A. VCF-style: chr5-177394027-G-A. GRCh37 (hg19) VCF-style: chr5-176821028-G-A.
Other names: c.1007-1G>A (NM_003052.4).
Identifiers: ClinVar variation 2683652 (VCV002683652.3), dbSNP rs765915351, ClinGen allele CA3580620.